The following is an entry in ClinVar:

NM_004974.4(KCNA2):c.71A>C (p.Asp24Ala)

Gene: KCNA2 (potassium voltage-gated channel subfamily A member 2; minus strand). Cytogenetic location: 1p13.3.
Variant type: single nucleotide variant.
Coding change: c.71A>C on transcript NM_004974.4 (MANE Select); coding-DNA position 71, A replaced by C.
Protein change: p.Asp24Ala; replaces aspartic acid 24 with alanine.
Molecular consequence: missense variant.
Genome position (GRCh38, 1-based): chr1:110,604,712, T>G on the plus strand (A>C on the coding strand, the complement: KCNA2 is on the minus strand). VCF-style: chr1-110604712-T-G. GRCh37 (hg19) VCF-style: chr1-111147334-T-G.
Other names: c.71A>C, p.Asp24Ala (NM_001204269.2); short protein forms D24A.
Identifiers: ClinVar variation 2771809 (VCV002771809.3), dbSNP rs2524623740, ClinGen allele CA341607156.

ClinVar aggregate classification (germline): Uncertain significance (1 of 4 stars; one submission).

Conditions:
Developmental and epileptic encephalopathy, 32 (DEE32). Also called: Epileptic encephalopathy, early infantile, 32. Identifiers: Orphanet 442835, MedGen C4225350, MONDO:0014607, OMIM 616366.

Submission:

Labcorp Genetics (formerly Invitae), Labcorp
Classification: Uncertain significance for Developmental and epileptic encephalopathy, 32. Last evaluated: 2023-11-02. Review status: criteria provided, single submitter. Criteria: Invitae Variant Classification Sherloc (09022015). Collection method: clinical testing. Allele origin: germline.
Comment: This sequence change replaces aspartic acid, which is acidic and polar, with alanine, which is neutral and non-polar, at codon 24 of the KCNA2 protein (p.Asp24Ala). This variant is not present in population databases (gnomAD no frequency). This variant has not been reported in the literature in individuals affected with KCNA2-related conditions. Advanced modeling of protein sequence and biophysical properties (such as structural, functional, and spatial information, amino acid conservation, physicochemical variation, residue mobility, and thermodynamic stability) performed at Invitae indicates that this missense variant is not expected to disrupt KCNA2 protein function with a negative predictive value of 95%. In summary, the available evidence is currently insufficient to determine the role of this variant in disease. Therefore, it has been classified as a Variant of Uncertain Significance.